The following is an entry in ClinVar:

NM_014317.5(PDSS1):c.719G>A (p.Arg240His)

Gene: PDSS1 (decaprenyl diphosphate synthase subunit 1; plus strand). Cytogenetic location: 10p12.1.
Variant type: single nucleotide variant.
Coding change: c.719G>A on transcript NM_014317.5 (MANE Select); coding-DNA position 719, G replaced by A.
Protein change: p.Arg240His; replaces arginine 240 with histidine.
Molecular consequence: missense variant.
Genome position (GRCh38, 1-based): chr10:26,723,915, G>A. VCF-style: chr10-26723915-G-A. GRCh37 (hg19) VCF-style: chr10-27012844-G-A.
Other names: c.719G>A (NM_014317.3); c.719G>A, p.Arg240His (NM_001321978.2); c.209G>A, p.Arg70His (NM_001321979.2); short protein forms R240H, R70H.
Identifiers: ClinVar variation 1518063 (VCV001518063.10), dbSNP rs140972175, ClinGen allele CA5447005.

ClinVar aggregate classification (germline): Uncertain significance. Review status: criteria provided, multiple submitters, no conflicts (2 of 4 stars). 4 submissions from 4 submitters: Uncertain significance (4). Last evaluated 2025-06-15.

Conditions:
Inborn genetic diseases. Identifiers: MedGen C0950123, MeSH D030342.
Deafness-encephaloneuropathy-obesity-valvulopathy syndrome. Identifiers: Orphanet 254898, MedGen C3553354, MONDO:0013837, OMIM 614651.

Allele frequency attached by ClinVar (database versions not stated): ESP Exome Variant Server 0.00008; gnomAD 0.00013 and 0.00014; gnomAD exomes 0.00017 and 0.00022; ExAC 0.00020.
gnomAD v4.1: 334 of 1,602,494 alleles (0.021%); highest among the groups gnomAD compares: Non-Finnish European, 0.025%; 1 homozygote.

Submissions (4):

GeneDx
Classification: Uncertain significance. Last evaluated: 2025-06-15. Review status: criteria provided, single submitter. Criteria: GeneDx Variant Classification Process June 2021. Collection method: clinical testing. Allele origin: germline. Affected: yes.
Comment: In silico analysis supports that this missense variant has a deleterious effect on protein structure/function; Has not been previously published as pathogenic or benign to our knowledge

Ambry Genetics
Classification: Uncertain significance for Inborn genetic diseases. Last evaluated: 2025-03-22. Review status: criteria provided, single submitter. Criteria: Ambry Variant Classification Scheme 2023. Collection method: clinical testing. Allele origin: germline.

Labcorp Genetics (formerly Invitae), Labcorp
Classification: Uncertain significance. Last evaluated: 2024-10-10. Review status: criteria provided, single submitter. Criteria: Invitae Variant Classification Sherloc (09022015). Collection method: clinical testing. Allele origin: germline.
Comment: This sequence change replaces arginine, which is basic and polar, with histidine, which is basic and polar, at codon 240 of the PDSS1 protein (p.Arg240His). This variant is present in population databases (rs140972175, gnomAD 0.02%). This variant has not been reported in the literature in individuals affected with PDSS1-related conditions. ClinVar contains an entry for this variant (Variation ID: 1518063). An algorithm developed to predict the effect of missense changes on protein structure and function (PolyPhen-2) suggests that this variant is likely to be disruptive. In summary, the available evidence is currently insufficient to determine the role of this variant in disease. Therefore, it has been classified as a Variant of Uncertain Significance.

Fulgent Genetics
Classification: Uncertain significance for Deafness-encephaloneuropathy-obesity-valvulopathy syndrome. Last evaluated: 2022-01-11. Review status: criteria provided, single submitter. Criteria: ACMG Guidelines, 2015. Collection method: clinical testing. Allele origin: unknown.